The following is an entry in ClinVar:

NM_022168.4(IFIH1):c.933C>A (p.Tyr311Ter)

Gene: IFIH1 (interferon induced with helicase C domain 1; minus strand). Cytogenetic location: 2q24.2.
Variant type: single nucleotide variant.
Coding change: c.933C>A on transcript NM_022168.4 (MANE Select); coding-DNA position 933, C replaced by A.
Protein change: p.Tyr311Ter; replaces tyrosine 311 with a stop codon.
Molecular consequence: nonsense.
Genome position (GRCh38, 1-based): chr2:162,288,297, G>T on the plus strand (C>A on the coding strand, the complement: IFIH1 is on the minus strand). VCF-style: chr2-162288297-G-T. GRCh37 (hg19) VCF-style: chr2-163144807-G-T.
Other names: c.933C>A, p.Tyr311Ter (LRG_1235t1); short protein forms Y311*.
Identifiers: ClinVar variation 376871 (VCV000376871.10), dbSNP rs1057520076, ClinGen allele CA16603194.

ClinVar aggregate classification (germline): Conflicting classifications of pathogenicity. Review status: criteria provided, conflicting classifications (1 of 4 stars). 2 submissions from 2 submitters: Uncertain significance (1); Likely benign (1). Last evaluated 2025-07-21.

Conditions:
Singleton-Merten syndrome 1 (SGMRT1). Also called: Widened medullary cavities of bone, aortic calcification, abnormal dentition, and muscular weakness; Syndrome of widened medullary cavities of the metacarpals and phalanges, aortic calcification and abnormal dentition. Identifiers: Orphanet 85191, MedGen C4225427, MONDO:0024535, OMIM 182250.
Aicardi-Goutieres syndrome 7 (AGS7). Identifiers: Orphanet 51, MedGen C3888244, MONDO:0014367, OMIM 615846.

Allele frequency attached by ClinVar (database versions not stated): gnomAD exomes below 0.00001.
gnomAD v4.1: 50 of 1,612,676 alleles (0.0031%); highest among the groups gnomAD compares: Non-Finnish European, 0.0041%; no homozygotes.

Submissions (2):

Labcorp Genetics (formerly Invitae), Labcorp
Classification: Likely benign for Aicardi-Goutieres syndrome 7; Singleton-Merten syndrome 1. Last evaluated: 2025-07-21. Review status: criteria provided, single submitter. Criteria: Invitae Variant Classification Sherloc (09022015). Collection method: clinical testing. Allele origin: germline.

Center for Pediatric Genomic Medicine, Children's Mercy Hospital and Clinics
Classification: Uncertain significance. Last evaluated: 2016-07-29. Review status: criteria provided, single submitter. Criteria: ACMG Guidelines, 2015. Collection method: clinical testing. Allele origin: germline.
ClinVar note: Converted during submission from Uncertain Significance to Uncertain significance.